The following is an entry in ClinVar:

ClinVar aggregate classification (germline): Uncertain significance (1 of 4 stars; one submission).

Conditions:
Immunodeficiency 39 (IMD39). Identifiers: Orphanet 574918, MedGen C4225358, MONDO:0014597, OMIM 616345.

Submission:

Labcorp Genetics (formerly Invitae), Labcorp
Classification: Uncertain significance for Immunodeficiency 39. Last evaluated: 2024-06-26. Review status: criteria provided, single submitter. Criteria: Invitae Variant Classification Sherloc (09022015). Collection method: clinical testing. Allele origin: germline.
Comment: This sequence change creates a premature translational stop signal (p.Gln295Hisfs*121) in the IRF7 gene. It is expected to result in an absent or disrupted protein product. However, the current clinical and genetic evidence is not sufficient to establish whether loss-of-function variants in IRF7 cause disease. This variant is not present in population databases (gnomAD no frequency). This variant has not been reported in the literature in individuals affected with IRF7-related conditions. In summary, the available evidence is currently insufficient to determine the role of this variant in disease. Therefore, it has been classified as a Variant of Uncertain Significance.

NM_001572.5(IRF7):c.845_846insTCCC (p.Gln282fs)

Gene: IRF7 (interferon regulatory factor 7; minus strand). Cytogenetic location: 11p15.5.
Variant type: Insertion.
Coding change: c.845_846insTCCC on transcript NM_001572.5 (MANE Select); coding-DNA positions 845 to 846, TCCC inserted.
Protein change: p.Gln282fs; shifts the reading frame from glutamine 282.
Molecular consequence: frameshift variant.
Genome position: GRCh38 VCF-style: chr11-613786-T-TGGGA. GRCh37 (hg19) VCF-style: chr11-613786-T-TGGGA.
Other names: c.758_759insTCCC, p.Gln253fs (NM_004029.4); c.884_885insTCCC, p.Gln295fs (NM_004031.4); short protein forms Q253fs, Q282fs, Q295fs.
Identifiers: ClinVar variation 3620499 (VCV003620499.2).